The following is an entry in ClinVar:

ClinVar aggregate classification (germline): Uncertain significance (1 of 4 stars; one submission).

Conditions:
Cardiovascular phenotype. Identifiers: MedGen CN230736.

Allele frequency attached by ClinVar (database versions not stated): gnomAD 0.00002; ESP Exome Variant Server 0.00008.
gnomAD v4.1: 10 of 1,594,870 alleles (0.00063%); highest among the groups gnomAD compares: African/African-American, 0.0013%; no homozygotes.

Submission:

Ambry Genetics
Classification: Uncertain significance for Cardiovascular phenotype. Last evaluated: 2024-10-04. Review status: criteria provided, single submitter. Criteria: Ambry Variant Classification Scheme 2023. Collection method: clinical testing. Allele origin: germline.
Comment: The p.V722I variant (also known as c.2164G>A), located in coding exon 27 of the CACNA2D1 gene, results from a G to A substitution at nucleotide position 2164. The valine at codon 722 is replaced by isoleucine, an amino acid with highly similar properties. This amino acid position is highly conserved in available vertebrate species. In addition, the in silico prediction for this alteration is inconclusive. Since supporting evidence is limited at this time, the clinical significance of this alteration remains unclear.

NM_000722.4(CACNA2D1):c.2164G>A (p.Val722Ile)

Gene: CACNA2D1 (calcium voltage-gated channel auxiliary subunit alpha2delta 1; minus strand). Cytogenetic location: 7q21.11.
Variant type: single nucleotide variant.
Coding change: c.2164G>A on transcript NM_000722.4 (MANE Select); coding-DNA position 2164, G replaced by A.
Protein change: p.Val722Ile; replaces valine 722 with isoleucine.
Molecular consequence: missense variant.
Genome position (GRCh38, 1-based): chr7:81,970,715, C>T on the plus strand (G>A on the coding strand, the complement: CACNA2D1 is on the minus strand). VCF-style: chr7-81970715-C-T. GRCh37 (hg19) VCF-style: chr7-81600031-C-T.
Other names: c.2200G>A, p.Val734Ile (NM_001366867.1); short protein forms V734I, V722I.
Identifiers: ClinVar variation 1786961 (VCV001786961.3), dbSNP rs140583625, ClinGen allele CA161124349.